The following is an entry in ClinVar:

ClinVar aggregate classification (germline): Uncertain significance (1 of 4 stars; one submission).

Conditions:
Hereditary sensory and autonomic neuropathy type 1 (HSAN1). Also called: HSAN 1; HSN Type I; Hereditary Sensory Neuropathy Type I. Identifiers: Orphanet 36386, MedGen C0020071, MONDO:0018213.

Submission:

Labcorp Genetics (formerly Invitae), Labcorp
Classification: Uncertain significance for Hereditary sensory and autonomic neuropathy type 1. Last evaluated: 2023-08-27. Review status: criteria provided, single submitter. Criteria: Invitae Variant Classification Sherloc (09022015). Collection method: clinical testing. Allele origin: germline.
Comment: This sequence change replaces proline, which is neutral and non-polar, with leucine, which is neutral and non-polar, at codon 441 of the SPTLC1 protein (p.Pro441Leu). This variant has not been reported in the literature in individuals affected with SPTLC1-related conditions. Advanced modeling of protein sequence and biophysical properties (such as structural, functional, and spatial information, amino acid conservation, physicochemical variation, residue mobility, and thermodynamic stability) performed at Invitae indicates that this missense variant is not expected to disrupt SPTLC1 protein function. In summary, the available evidence is currently insufficient to determine the role of this variant in disease. Therefore, it has been classified as a Variant of Uncertain Significance. This variant is not present in population databases (gnomAD no frequency).

NM_006415.4(SPTLC1):c.1322C>T (p.Pro441Leu)

Gene: SPTLC1 (serine palmitoyltransferase long chain base subunit 1; minus strand). Cytogenetic location: 9q22.31.
Variant type: single nucleotide variant.
Coding change: c.1322C>T on transcript NM_006415.4 (MANE Select); coding-DNA position 1322, C replaced by T.
Protein change: p.Pro441Leu; replaces proline 441 with leucine.
Molecular consequence: missense variant.
Genome position (GRCh38, 1-based): chr9:92,034,816, G>A on the plus strand (C>T on the coding strand, the complement: SPTLC1 is on the minus strand). VCF-style: chr9-92034816-G-A. GRCh37 (hg19) VCF-style: chr9-94797098-G-A.
Other names: c.1322C>T, p.Pro441Leu (NM_001281303.2); c.956C>T, p.Pro319Leu (NM_001368272.1); c.857C>T, p.Pro286Leu (NM_001368273.1); short protein forms P286L, P319L, P441L.
Identifiers: ClinVar variation 2802919 (VCV002802919.3), dbSNP rs2538368067, ClinGen allele CA373789628.
Genomic context (GRCh38, chr9:92,034,816, plus strand): 5'-CATAGAGCTCAGAGTAGGGGAAAAAAATAAGGTCATATTTTAACGTCAACTGACCTGGGA[G>A]GAGGGAGACACTTCTCTTCTTTCTCCAAGTAGCGCGCCTGAGTTAATGCAATACTTCTGT-3'
Protein context (NP_006406.1, residues 431-451): YLEKEEKCLP[Pro441Leu]PSIRVVVTVE